The following is an entry in ClinVar:

NM_000059.4(BRCA2):c.-12T>C

Gene: BRCA2 (BRCA2 DNA repair associated; plus strand). Cytogenetic location: 13q13.1.
Variant type: single nucleotide variant.
Coding change: c.-12T>C on transcript NM_000059.4 (MANE Select); 12 bases upstream of the start codon, T replaced by C.
Molecular consequence: 5 prime UTR variant.
Genome position (GRCh38, 1-based): chr13:32,316,449, T>C. VCF-style: chr13-32316449-T-C. GRCh37 (hg19) VCF-style: chr13-32890586-T-C.
Other names: 217T>C.
Identifiers: ClinVar variation 125974 (VCV000125974.19), dbSNP rs276174795, ClinGen allele CA011494.

ClinVar aggregate classification (germline): Conflicting classifications of pathogenicity. Review status: criteria provided, conflicting classifications (1 of 4 stars). 5 submissions from 5 submitters: Uncertain significance (3); Likely benign (1). 1 of the submissions does not count toward it. Last evaluated 2025-04-28.

Conditions:
Hereditary cancer-predisposing syndrome. Also called: Tumor predisposition; Hereditary Cancer Syndrome; Neoplastic Syndromes, Hereditary; Hereditary neoplastic syndrome. Identifiers: Orphanet 140162, MedGen C0027672, MeSH D009386, MONDO:0015356.
Hereditary breast ovarian cancer syndrome. Also called: Hereditary breast and ovarian cancer; Hereditary breast and/or ovarian cancer syndrome; BRCA1- and BRCA2-Associated Hereditary Breast and Ovarian Cancer; Hereditary breast and ovarian cancer syndrome; Hereditary breast and ovarian cancer syndrome (HBOC); Breast and ovarian cancer. Identifiers: Orphanet 145, MedGen C0677776, MeSH D061325, MONDO:0003582. Disease mechanism: loss of function.
Breast-ovarian cancer, familial, susceptibility to, 2 (BROVCA2). Also called: BRCA2 Hereditary Breast and Ovarian Cancer. Identifiers: Orphanet 145, MedGen C2675520, MONDO:0012933, OMIM 612555. Disease mechanism: loss of function.

Allele frequency attached by ClinVar (database versions not stated): gnomAD exomes 0.00001.
gnomAD v4.1: 18 of 1,611,446 alleles (0.0011%); highest among the groups gnomAD compares: Non-Finnish European, 0.0015%; no homozygotes.

Submissions (5):

Labcorp Genetics (formerly Invitae), Labcorp
Classification: Likely benign for Hereditary breast ovarian cancer syndrome. Last evaluated: 2025-04-28. Review status: criteria provided, single submitter. Criteria: Invitae Variant Classification Sherloc (09022015). Collection method: clinical testing. Allele origin: germline.

All of Us Research Program, National Institutes of Health
Classification: Uncertain significance for Breast-ovarian cancer, familial, susceptibility to, 2. Last evaluated: 2023-08-23. Review status: criteria provided, single submitter. Criteria: ACMG Guidelines, 2015. Collection method: clinical testing. Allele origin: germline. Inheritance: Autosomal dominant inheritance. Observed: 1 variant allele, 1 heterozygote.
Comment: This variant is located in the 5' untranslated region of the BRCA2 gene. To our knowledge, functional studies have not been reported for this variant. This variant has been reported in an individual with a personal or family history of breast or ovarian cancer (PMID: 21120943). This variant has been reported in a multifactorial analysis with co-occurrence and family history likelihood ratios for pathogenicity of 1.0498 and 0.7898, respectively (PMID: 31131967). This variant has not been identified in the general population by the Genome Aggregation Database (gnomAD). The available evidence is insufficient to determine the role of this variant in disease conclusively. Therefore, this variant is classified as a Variant of Uncertain Significance.

This study involves interpretation of variants in research participants for the purpose of population health screening. Participant phenotype was not available at the time of variant classification. Additional details can be found in publication PMID: 35346344, PMCID: PMC8962531

Color Diagnostics, LLC DBA Color Health
Classification: Uncertain significance for Hereditary cancer-predisposing syndrome. Last evaluated: 2023-08-14. Review status: criteria provided, single submitter. Criteria: ACMG Guidelines, 2015. Collection method: clinical testing. Allele origin: germline.
Comment: This variant is located in the 5' untranslated region of the BRCA2 gene. To our knowledge, functional studies have not been reported for this variant. This variant has been reported in an individual with a personal or family history of breast or ovarian cancer (PMID: 21120943). This variant has been reported in a multifactorial analysis with co-occurrence and family history likelihood ratios for pathogenicity of 1.0498 and 0.7898, respectively (PMID: 31131967). This variant has not been identified in the general population by the Genome Aggregation Database (gnomAD). The available evidence is insufficient to determine the role of this variant in disease conclusively. Therefore, this variant is classified as a Variant of Uncertain Significance.

Women's Health and Genetics/Laboratory Corporation of America, LabCorp
Classification: Uncertain significance. Last evaluated: 2017-07-03. Review status: criteria provided, single submitter. Criteria: LabCorp Variant Classification Summary - May 2015. Collection method: clinical testing. Allele origin: germline.
Comment: Variant summary: The BRCA2 c.-12T>C variant involves the alteration of a non-conserved nucleotide located in the 5'-UTR. One in silico tool predicts a benign outcome for this variant. 5/5 splice prediction tools predict no significant impact on normal splicing. However, these predictions have yet to be confirmed by functional studies. This variant is absent in 119378 control chromosomes. The variant has been reported in one patient in the literature, without strong evidence for causality. In addition, multiple clinical diagnostic laboratories/reputable databases classified this variant as uncertain significance. Taken together, this variant is classified as VUS until additional evidence becomes available.

Breast Cancer Information Core (BIC) (BRCA2)
Classification: Uncertain significance for Breast-ovarian cancer, familial 2. Last evaluated: 2002-05-29. Review status: no assertion criteria provided. Collection method: clinical testing. Allele origin: germline. Affected: yes. Observed: 1 variant allele. Not counted in ClinVar's aggregate classification.

Literature cited by the submitters: PubMed 21120943 (cited by 3 submitters); PubMed 31131967 (cited by All of Us Research Program, National Institutes of Health and Color Diagnostics, LLC DBA Color Health).